The following is an entry in ClinVar:

ClinVar aggregate classification (germline): Pathogenic (1 of 4 stars; one submission).

Submission:

Labcorp Genetics (formerly Invitae), Labcorp
Classification: Pathogenic. Last evaluated: 2024-01-18. Review status: criteria provided, single submitter. Criteria: Invitae Variant Classification Sherloc (09022015). Collection method: clinical testing. Allele origin: germline.
Comment: A gross deletion of the genomic region encompassing the full coding sequence of the PIH1D3 gene has been identified. Loss-of-function variants in PIH1D3 are known to be pathogenic (PMID: 28041644, 28176794). The boundaries of this event are unknown as they extend beyond the assayed region for this gene and therefore may encompass additional genes. A similar copy number variant has been observed in individual(s) with clinical features of primary ciliary dyskinesia (PMID: 33635866). For these reasons, this variant has been classified as Pathogenic.

Literature cited by the submitters: PubMed 28041644; PubMed 28176794; PubMed 33635866.

NC_000023.10:g.(?_106456106)_(106486528_?)del

Gene: DNAAF6 (dynein axonemal assembly factor 6; plus strand). Cytogenetic location: Xq22.3.
Variant type: Deletion.
Identifiers: ClinVar variation 1683167 (VCV001683167.5).